The following is an entry in ClinVar:

ClinVar aggregate classification (germline): Uncertain significance (1 of 4 stars; one submission).

Conditions:
Cardiomyopathy (CMYO). Also called: Cardiomyopathies. Identifiers: Orphanet 167848, MedGen C0878544, MONDO:0004994, HP:0001638. Inheritance: Various modes of inheritance.

Submission:

Color Diagnostics, LLC DBA Color Health
Classification: Uncertain significance for Cardiomyopathy. Last evaluated: 2025-10-12. Review status: criteria provided, single submitter. Criteria: ACMG Guidelines, 2015. Collection method: clinical testing. Allele origin: germline.
Comment: This missense variant replaces aspartic acid with glutamic acid at codon 54 of the DSP protein. Computational prediction suggests that this variant may not impact protein structure and function. To our knowledge, functional studies have not been reported for this variant. This variant has not been reported in individuals affected with DSP-related disorders in the literature. This variant has not been identified in the general population by the Genome Aggregation Database (gnomAD). The available evidence is insufficient to determine the role of this variant in disease conclusively. Therefore, this variant is classified as a Variant of Uncertain Significance.

NM_004415.4(DSP):c.162C>A (p.Asp54Glu)

Genes: DSP (desmoplakin; plus strand), DSP-AS1 (DSP antisense RNA 1; minus strand). Cytogenetic location: 6p24.3.
Variant type: single nucleotide variant.
Coding change: c.162C>A on transcript NM_004415.4 (MANE Select); coding-DNA position 162, C replaced by A.
Protein change: p.Asp54Glu; replaces aspartic acid 54 with glutamic acid.
Molecular consequence: missense variant.
Genome position (GRCh38, 1-based): chr6:7,542,077, C>A. VCF-style: chr6-7542077-C-A. GRCh37 (hg19) VCF-style: chr6-7542310-C-A.
Other names: c.162C>A, p.Asp54Glu (NM_001008844.3, NM_001319034.2, NM_001406591.1); short protein forms D54E.
Identifiers: ClinVar variation 4758297 (VCV004758297.1).